The following is an entry in ClinVar:

ClinVar aggregate classification (germline): Uncertain significance. Review status: criteria provided, multiple submitters, no conflicts (2 of 4 stars). 2 submissions from 2 submitters: Uncertain significance (2). Last evaluated 2025-08-26.

Allele frequency attached by ClinVar (database versions not stated): gnomAD exomes 0.00002; TOPMed 0.00002; ExAC 0.00003.
gnomAD v4.1: 23 of 1,614,204 alleles (0.0014%); highest among the groups gnomAD compares: Middle Eastern, 0.049%; no homozygotes.

Submissions (2):

Ambry Genetics
Classification: Uncertain significance. Last evaluated: 2025-08-26. Review status: criteria provided, single submitter. Criteria: Ambry Variant Classification Scheme 2023. Collection method: clinical testing. Allele origin: germline.

Labcorp Genetics (formerly Invitae), Labcorp
Classification: Uncertain significance. Last evaluated: 2022-08-09. Review status: criteria provided, single submitter. Criteria: Invitae Variant Classification Sherloc (09022015). Collection method: clinical testing. Allele origin: germline.
Comment: This sequence change replaces alanine, which is neutral and non-polar, with glycine, which is neutral and non-polar, at codon 517 of the AGAP1 protein (p.Ala517Gly). This variant is present in population databases (rs768333900, gnomAD 0.004%). This variant has not been reported in the literature in individuals affected with AGAP1-related conditions. Algorithms developed to predict the effect of missense changes on protein structure and function are either unavailable or do not agree on the potential impact of this missense change (SIFT: "Deleterious"; PolyPhen-2: "Benign"; Align-GVGD: "Class C0"). In summary, the available evidence is currently insufficient to determine the role of this variant in disease. Therefore, it has been classified as a Variant of Uncertain Significance.

NM_001037131.3(AGAP1):c.1709C>G (p.Ala570Gly)

Gene: AGAP1 (ArfGAP with GTPase domain, ankyrin repeat and PH domain 1; plus strand). Cytogenetic location: 2q37.2.
Variant type: single nucleotide variant.
Coding change: c.1709C>G on transcript NM_001037131.3 (MANE Select); coding-DNA position 1709, C replaced by G.
Protein change: p.Ala570Gly; replaces alanine 570 with glycine.
Molecular consequence: missense variant.
Genome position (GRCh38, 1-based): chr2:236,036,624, C>G. VCF-style: chr2-236036624-C-G. GRCh37 (hg19) VCF-style: chr2-236945268-C-G.
Other names: c.1550C>G, p.Ala517Gly (NM_014914.5); c.1709C>G (NM_001037131.2); short protein forms A517G, A570G.
Identifiers: ClinVar variation 2419169 (VCV002419169.7), dbSNP rs768333900, ClinGen allele CA2184988.